The following is an entry in ClinVar:

ClinVar aggregate classification (germline): Likely benign (0 of 4 stars; one submission).

Conditions:
LRIG1-related disorder. Also called: LRIG1-related condition.

Allele frequency attached by ClinVar (database versions not stated): 1000 Genomes Project 30x 0.00156; 1000 Genomes Project 0.00180; TOPMed 0.00284; ESP Exome Variant Server 0.00300.
gnomAD v4.1: 5,695 of 1,613,364 alleles (0.35%); highest among the groups gnomAD compares: Non-Finnish European, 0.42%; 15 homozygotes.

Submission:

PreventionGenetics, part of Exact Sciences
Classification: Likely benign for LRIG1-related condition. Last evaluated: 2019-05-03. Review status: no assertion criteria provided. Collection method: clinical testing. Allele origin: germline.
Comment: This variant is classified as likely benign based on ACMG/AMP sequence variant interpretation guidelines (Richards et al. 2015 PMID: 25741868, with internal and published modifications).

NM_015541.3(LRIG1):c.1782C>T (p.Thr594=)

Gene: LRIG1 (leucine rich repeats and immunoglobulin like domains 1; minus strand). Cytogenetic location: 3p14.1.
Variant type: single nucleotide variant.
Coding change: c.1782C>T on transcript NM_015541.3 (MANE Select); coding-DNA position 1782, C replaced by T.
Protein change: p.Thr594=; no amino-acid change (threonine 594 retained).
Molecular consequence: synonymous variant.
Genome position (GRCh38, 1-based): chr3:66,385,988, G>A on the plus strand (C>T on the coding strand, the complement: LRIG1 is on the minus strand). VCF-style: chr3-66385988-G-A. GRCh37 (hg19) VCF-style: chr3-66436412-G-A.
Other names: c.1707C>T, p.Thr569= (NM_001377344.1); c.1002C>T, p.Thr334= (NM_001377345.1, NM_001377346.1); c.780C>T, p.Thr260= (NM_001377347.1); c.753C>T, p.Thr251= (NM_001377348.1); c.498C>T, p.Thr166= (NM_001377349.1).
Identifiers: ClinVar variation 3038079 (VCV003038079.2), dbSNP rs11553628, ClinGen allele CA2484641.
Genomic context (GRCh38, chr3:66,385,988, plus strand): 5'-AGGAGTGTGCTTTGTAGGATTCTGGTACTATAACAAAGATGGTGTTTCCATACCATTCAC[G>A]GTGAGCCTGGCCTTATGTGAATAGGTGGAGCCAAAGTGGTTGGTGATGACACATTGGTAG-3'
Protein context (NP_056356.2, residues 584-604): GSTYSHKARL[Thr594=]VNVLPSFTKT